The following is an entry in ClinVar:

ClinVar aggregate classification (germline): Uncertain significance (1 of 4 stars; one submission).

Allele frequency attached by ClinVar (database versions not stated): 1000 Genomes Project 0.00040; 1000 Genomes Project 30x 0.00047.
gnomAD v4.1: 187 of 1,568,202 alleles (0.012%); highest among the groups gnomAD compares: Admixed American, 0.1%; no homozygotes.

Submission:

GeneDx
Classification: Uncertain significance. Last evaluated: 2025-09-17. Review status: criteria provided, single submitter. Criteria: GeneDx Variant Classification Process June 2021. Collection method: clinical testing. Allele origin: germline. Affected: yes.
Comment: Observed with a second variant TET3 variant on the opposite allele (in trans) in a patient and unaffected sibling in published literature (PMID: 34750377); In silico analysis supports that this missense variant has a deleterious effect on protein structure/function; This variant is associated with the following publications: (PMID: 34750377)

NM_001287491.2(TET3):c.5237G>C (p.Trp1746Ser)

Gene: TET3 (tet methylcytosine dioxygenase 3; plus strand). Cytogenetic location: 2p13.1.
Variant type: single nucleotide variant.
Coding change: c.5237G>C on transcript NM_001287491.2 (MANE Select); coding-DNA position 5237, G replaced by C.
Protein change: p.Trp1746Ser; replaces tryptophan 1746 with serine.
Molecular consequence: missense variant.
Genome position (GRCh38, 1-based): chr2:74,102,025, G>C. VCF-style: chr2-74102025-G-C. GRCh37 (hg19) VCF-style: chr2-74329152-G-C.
Other names: c.4958G>C, p.Trp1653Ser (NM_001366022.1); c.4832G>C, p.Trp1611Ser (NM_144993.1); short protein forms W1611S, W1653S, W1746S.
Identifiers: ClinVar variation 1710806 (VCV001710806.4), dbSNP rs190925009, ClinGen allele CA1719377.